The following is an entry in ClinVar:

NM_001369.3(DNAH5):c.10825_10826insCTAA (p.Gln3609fs)

Gene: DNAH5 (dynein axonemal heavy chain 5; minus strand). Cytogenetic location: 5p15.2.
Variant type: Insertion.
Coding change: c.10825_10826insCTAA on transcript NM_001369.3 (MANE Select); coding-DNA positions 10825 to 10826, CTAA inserted.
Protein change: p.Gln3609fs; shifts the reading frame from glutamine 3609.
Molecular consequence: frameshift variant.
Genome position: GRCh38 VCF-style: chr5-13753279-T-TTTAG. GRCh37 (hg19) VCF-style: chr5-13753388-T-TTTAG.
Other names: short protein forms Q3609fs.
Identifiers: ClinVar variation 5011113 (VCV005011113.1).

ClinVar aggregate classification (germline): Pathogenic (1 of 4 stars; one submission).

Conditions:
Primary ciliary dyskinesia 3. Identifiers: Orphanet 244, MedGen C1837618, MONDO:0012085, OMIM 608644.

Submission:

Myriad Genetics, Inc.
Classification: Pathogenic for Primary ciliary dyskinesia 3. Last evaluated: 2024-05-14. Review status: criteria provided, single submitter. Criteria: Myriad Autosomal Dominant, Autosomal Recessive and X-Linked Classification Criteria (2023). Collection method: clinical testing. Allele origin: unknown.
Comment: NM_001369.2(DNAH5):c.10825_10826insCTAA(Q3609Pfs*8) is expected to be pathogenic in the context of primary ciliary dyskinesia, DNAH5-related. This variant is predicted to lead to an abnormal or absent protein product due to the creation of a premature termination codon in DNAH5, a gene where loss-of-function variants are known to be pathogenic. Please note: this variant was assessed in the context of healthy population screening.